The following is an entry in ClinVar:

ClinVar aggregate classification (germline): Uncertain significance (1 of 4 stars; one submission).

Allele frequency attached by ClinVar (database versions not stated): gnomAD exomes below 0.00001.
gnomAD v4.1: 1 of 1,605,824 alleles (0.000062%); highest among the groups gnomAD compares: Admixed American, 0.0017%; no homozygotes.

Submission:

Labcorp Genetics (formerly Invitae), Labcorp
Classification: Uncertain significance. Last evaluated: 2021-10-22. Review status: criteria provided, single submitter. Criteria: Invitae Variant Classification Sherloc (09022015). Collection method: clinical testing. Allele origin: germline.
Comment: This variant has not been reported in the literature in individuals affected with XPO5-related conditions. Algorithms developed to predict the effect of missense changes on protein structure and function (SIFT, PolyPhen-2, Align-GVGD) all suggest that this variant is likely to be tolerated. In summary, the available evidence is currently insufficient to determine the role of this variant in disease. Therefore, it has been classified as a Variant of Uncertain Significance. This variant is present in population databases (no rsID available, gnomAD 0.003%). This sequence change replaces alanine, which is neutral and non-polar, with proline, which is neutral and non-polar, at codon 793 of the XPO5 protein (p.Ala793Pro).

NM_020750.3(XPO5):c.2377G>C (p.Ala793Pro)

Genes: POLR1C (RNA polymerase I and III subunit C; plus strand), XPO5 (exportin 5; minus strand). Cytogenetic location: 6p21.1.
Variant type: single nucleotide variant.
Coding change: c.2377G>C on transcript NM_020750.3 (MANE Select); coding-DNA position 2377, G replaced by C.
Protein change: p.Ala793Pro; replaces alanine 793 with proline.
Molecular consequence: missense variant. On other transcripts: non-coding transcript variant (1), intron variant (1).
Genome position (GRCh38, 1-based): chr6:43,533,973, C>G on the plus strand (G>C on the coding strand, the complement: XPO5 is on the minus strand). VCF-style: chr6-43533973-C-G. GRCh37 (hg19) VCF-style: chr6-43501710-C-G.
Other names: c.922+12925C>G (NM_001363658.2); short protein forms A793P.
Identifiers: ClinVar variation 1388084 (VCV001388084.7), dbSNP rs1179947847, ClinGen allele CA364232167.